The following is an entry in ClinVar:

ClinVar aggregate classification (germline): Uncertain significance (1 of 4 stars; one submission).

Conditions:
Nephronophthisis. Also called: Juvenile Nephronophthisis. Identifiers: Orphanet 655, MedGen C0687120, MONDO:0019005, HP:0000090.
Jeune thoracic dystrophy. Also called: Jeune syndrome; Infantile thoracic dystrophy; Thoracic pelvic phalangeal dystrophy; Jeune's syndrome; Chondroectodermal dysplasia-like syndrome; Short-rib thoracic dysplasia. Identifiers: Orphanet 474, MedGen C0265275, MONDO:0018770.

Submission:

Labcorp Genetics (formerly Invitae), Labcorp
Classification: Uncertain significance for Jeune thoracic dystrophy; Nephronophthisis. Last evaluated: 2021-06-19. Review status: criteria provided, single submitter. Criteria: Invitae Variant Classification Sherloc (09022015). Collection method: clinical testing. Allele origin: germline.
Comment: This variant results in a copy number gain of the genomic region encompassing exon(s) 1-24 of the TTC21B gene. This region includes the initiator codon of the gene. The 5' end of this event is unknown as it extends beyond the assayed region for this gene and therefore may encompass additional genes. The 3' boundary is likely confined to intron 24 of the TTC21B gene. As the precise location of this event is unknown, it may be in tandem or it may be located elsewhere in the genome. This variant has not been reported in the literature in individuals with TTC21B-related conditions. Experimental studies and prediction algorithms are not available or were not evaluated, and the functional significance of this variant is currently unknown. In summary, the available evidence is currently insufficient to determine the role of this variant in disease. Therefore, it has been classified as a Variant of Uncertain Significance.

NC_000002.11:g.(?_166746969)_(166810215_?)dup

Gene: TTC21B (tetratricopeptide repeat domain 21B; minus strand). Cytogenetic location: 2q24.3.
Variant type: Duplication.
Identifiers: ClinVar variation 1450578 (VCV001450578.4).